The following is an entry in ClinVar:

NM_001868.4(CPA1):c.776C>G (p.Ala259Gly)

Gene: CPA1 (carboxypeptidase A1; plus strand). Cytogenetic location: 7q32.2.
Variant type: single nucleotide variant.
Coding change: c.776C>G on transcript NM_001868.4 (MANE Select); coding-DNA position 776, C replaced by G.
Protein change: p.Ala259Gly; replaces alanine 259 with glycine.
Molecular consequence: missense variant.
Genome position (GRCh38, 1-based): chr7:130,384,615, C>G. VCF-style: chr7-130384615-C-G. GRCh37 (hg19) VCF-style: chr7-130024456-C-G.
Other names: short protein forms A259G.
Identifiers: ClinVar variation 4559593 (VCV004559593.1).

ClinVar aggregate classification (germline): Uncertain significance (1 of 4 stars; one submission).

Conditions:
Hereditary pancreatitis (PCTT). Also called: Hereditary chronic pancreatitis; PRSS1-Related Hereditary Pancreatitis. Identifiers: Orphanet 676, MedGen C0238339, MONDO:0008185, OMIM 167800.

Submission:

Ambry Genetics
Classification: Uncertain significance for Hereditary pancreatitis. Last evaluated: 2025-10-22. Review status: criteria provided, single submitter. Criteria: Ambry Variant Classification Scheme 2023. Collection method: clinical testing. Allele origin: germline.
Comment: The p.A259G variant (also known as c.776C>G), located in coding exon 7 of the CPA1 gene, results from a C to G substitution at nucleotide position 776. The alanine at codon 259 is replaced by glycine, an amino acid with similar properties. This amino acid position is conserved. In addition, this alteration is predicted to be tolerated by in silico analysis. Based on the available evidence, the clinical significance of this variant remains unclear.